The following is an entry in ClinVar:

ClinVar aggregate classification (germline): Uncertain significance. Review status: criteria provided, multiple submitters, no conflicts (2 of 4 stars). 2 submissions from 2 submitters: Uncertain significance (2). Last evaluated 2026-09-07.

Conditions:
Cardiovascular phenotype. Identifiers: MedGen CN230736.

gnomAD v4.1: 2 of 1,614,090 alleles (0.00012%); highest among the groups gnomAD compares: Non-Finnish European, 0.00017%; no homozygotes.

Submissions (2):

Ambry Genetics
Classification: Uncertain significance for Cardiovascular phenotype. Last evaluated: 2026-09-07. Review status: criteria provided, single submitter. Criteria: Ambry Variant Classification Scheme 2023. Collection method: clinical testing. Allele origin: germline.
Comment: The p.T678I variant (also known as c.2033C>T), located in coding exon 14 of the APOB gene, results from a C to T substitution at nucleotide position 2033. The threonine at codon 678 is replaced by isoleucine, an amino acid with similar properties. This amino acid position is conserved. In addition, this alteration is predicted to be tolerated by in silico analysis. Based on the available evidence, the clinical significance of this variant remains unclear.

GeneDx
Classification: Uncertain significance. Last evaluated: 2025-02-27. Review status: criteria provided, single submitter. Criteria: GeneDx Variant Classification Process June 2021. Collection method: clinical testing. Allele origin: germline. Affected: yes.
Comment: Not observed at significant frequency in large population cohorts (gnomAD); In silico analysis supports that this missense variant has a deleterious effect on protein structure/function; Has not been previously published as pathogenic or benign to our knowledge

NM_000384.3(APOB):c.2033C>T (p.Thr678Ile)

Gene: APOB (apolipoprotein B; minus strand). Cytogenetic location: 2p24.1.
Variant type: single nucleotide variant.
Coding change: c.2033C>T on transcript NM_000384.3 (MANE Select); coding-DNA position 2033, C replaced by T.
Protein change: p.Thr678Ile; replaces threonine 678 with isoleucine.
Molecular consequence: missense variant.
Genome position (GRCh38, 1-based): chr2:21,027,862, G>A on the plus strand (C>T on the coding strand, the complement: APOB is on the minus strand). VCF-style: chr2-21027862-G-A. GRCh37 (hg19) VCF-style: chr2-21250734-G-A.
Other names: short protein forms T678I.
Identifiers: ClinVar variation 2601789 (VCV002601789.4), dbSNP rs773846941, ClinGen allele CA346013504.